The following is an entry in ClinVar:

NM_001792.5(CDH2):c.73G>A (p.Ala25Thr)

Gene: CDH2 (cadherin 2; minus strand). Cytogenetic location: 18q12.1.
Variant type: single nucleotide variant.
Coding change: c.73G>A on transcript NM_001792.5 (MANE Select); coding-DNA position 73, G replaced by A.
Protein change: p.Ala25Thr; replaces alanine 25 with threonine.
Molecular consequence: missense variant.
Genome position (GRCh38, 1-based): chr18:28,147,772, C>T on the plus strand (G>A on the coding strand, the complement: CDH2 is on the minus strand). VCF-style: chr18-28147772-C-T. GRCh37 (hg19) VCF-style: chr18-25727736-C-T.
Other names: short protein forms A25T.
Identifiers: ClinVar variation 2820342 (VCV002820342.3), dbSNP rs2510778357, ClinGen allele CA402244742.

ClinVar aggregate classification (germline): Uncertain significance (1 of 4 stars; one submission).

gnomAD v4.1: 1 of 1,603,184 alleles (0.000062%); no homozygotes.

Submission:

Labcorp Genetics (formerly Invitae), Labcorp
Classification: Uncertain significance. Last evaluated: 2023-03-09. Review status: criteria provided, single submitter. Criteria: Invitae Variant Classification Sherloc (09022015). Collection method: clinical testing. Allele origin: germline.
Comment: This sequence change replaces alanine, which is neutral and non-polar, with threonine, which is neutral and polar, at codon 25 of the CDH2 protein (p.Ala25Thr). This variant is not present in population databases (gnomAD no frequency). This variant has not been reported in the literature in individuals affected with CDH2-related conditions. An algorithm developed to predict the effect of missense changes on protein structure and function (PolyPhen-2) suggests that this variant is likely to be tolerated. In summary, the available evidence is currently insufficient to determine the role of this variant in disease. Therefore, it has been classified as a Variant of Uncertain Significance.